The following is an entry in ClinVar:

NM_003200.5(TCF3):c.1451-32G>A

Gene: TCF3 (transcription factor 3; minus strand). Cytogenetic location: 19p13.3.
Variant type: single nucleotide variant.
Coding change: c.1451-32G>A on transcript NM_003200.5 (MANE Select); 32 bases into the intron before coding-DNA position 1451, G replaced by A.
Molecular consequence: intron variant.
Genome position (GRCh38, 1-based): chr19:1,615,853, C>T on the plus strand (G>A on the coding strand, the complement: TCF3 is on the minus strand). VCF-style: chr19-1615853-C-T. GRCh37 (hg19) VCF-style: chr19-1615852-C-T.
Other names: c.1448-32G>A (NM_001351778.2); c.1451-32G>A (NM_001136139.4, NM_001351779.2).
Identifiers: ClinVar variation 2688214 (VCV002688214.2), dbSNP rs41275838, ClinGen allele CA9049827.

ClinVar aggregate classification (germline): Benign (1 of 4 stars; one submission).

Allele frequency attached by ClinVar (database versions not stated): 1000 Genomes Project 0.11721; 1000 Genomes Project 30x 0.12352; TOPMed 0.16347; ExAC 0.16619; gnomAD 0.17241; ESP Exome Variant Server 0.17957.
gnomAD v4.1: 285,457 of 1,506,076 alleles (19%); highest among the groups gnomAD compares: Non-Finnish European, 20%; 28,813 homozygotes.

Submission:

Unidad de Genómica Garrahan, Hospital de Pediatría Garrahan
Classification: Benign. Last evaluated: 2024-01-24. Review status: criteria provided, single submitter. Criteria: ACMG Guidelines, 2015. Collection method: clinical testing. Allele origin: germline. Affected: no. Observed: 32 variant alleles.
Comment: This variant is classified as Benign based on local population frequency. This variant was detected in 34% of patients studied by a panel of primary immunodeficiencies. Number of patients: 32. Only high quality variants are reported.